The following is an entry in ClinVar:

ClinVar aggregate classification (germline): Uncertain significance (1 of 4 stars; one submission).

Conditions:
Ullrich congenital muscular dystrophy 2 (UCMD2). Identifiers: Orphanet 75840, MedGen C4225314, MONDO:0014654, OMIM 616470.
Bethlem myopathy 2 (BTHLM2). Identifiers: Orphanet 536516, Orphanet 610, MedGen C4225313, MONDO:0034022, OMIM 616471.

Submission:

Labcorp Genetics (formerly Invitae), Labcorp
Classification: Uncertain significance for Bethlem myopathy 2; Ullrich congenital muscular dystrophy 2. Last evaluated: 2024-09-13. Review status: criteria provided, single submitter. Criteria: Invitae Variant Classification Sherloc (09022015). Collection method: clinical testing. Allele origin: germline.
Comment: This sequence change affects codon 1221 of the COL12A1 mRNA. It is a 'silent' change, meaning that it does not change the encoded amino acid sequence of the COL12A1 protein. This variant is not present in population databases (gnomAD no frequency). This variant has not been reported in the literature in individuals affected with COL12A1-related conditions. Algorithms developed to predict the effect of sequence changes on RNA splicing suggest that this variant may disrupt the consensus splice site. In summary, the available evidence is currently insufficient to determine the role of this variant in disease. Therefore, it has been classified as a Variant of Uncertain Significance.

NM_004370.6(COL12A1):c.3663C>T (p.Phe1221=)

Gene: COL12A1 (collagen type XII alpha 1 chain; minus strand). Cytogenetic location: 6q13.
Variant type: single nucleotide variant.
Coding change: c.3663C>T on transcript NM_004370.6 (MANE Select); coding-DNA position 3663, C replaced by T.
Protein change: p.Phe1221=; no amino-acid change (phenylalanine 1221 retained).
Molecular consequence: synonymous variant.
Genome position (GRCh38, 1-based): chr6:75,152,385, G>A on the plus strand (C>T on the coding strand, the complement: COL12A1 is on the minus strand). VCF-style: chr6-75152385-G-A. GRCh37 (hg19) VCF-style: chr6-75862101-G-A.
Other names: c.3663C>T, p.Phe1221= (NM_001424113.1, NM_001424114.1); c.3390C>T, p.Phe1130= (NM_001424115.1); c.171C>T, p.Phe57= (NM_001424116.1, NM_080645.3).
Identifiers: ClinVar variation 3758277 (VCV003758277.2).